The following is an entry in ClinVar:

ClinVar aggregate classification (germline): Uncertain significance (1 of 4 stars; one submission).

Conditions:
Anterior segment dysgenesis. Also called: Ocular anterior segment dysgenesis. Identifiers: Orphanet 88632, MedGen C1862839, MONDO:0019503, HP:0007700.
Congenital primary aphakia. Also called: Anterior segment dysgenesis 2, multiple subtypes; ANTERIOR SEGMENT DYSGENESIS 2. Identifiers: Orphanet 83461, MedGen C1853230, MONDO:0012456, OMIM 610256.

Submission:

Labcorp Genetics (formerly Invitae), Labcorp
Classification: Uncertain significance for Anterior segment dysgenesis; Congenital primary aphakia. Last evaluated: 2025-10-11. Review status: criteria provided, single submitter. Criteria: Invitae Variant Classification Sherloc (09022015). Collection method: clinical testing. Allele origin: germline.
Comment: This sequence change replaces proline, which is neutral and non-polar, with serine, which is neutral and polar, at codon 55 of the FOXE3 protein (p.Pro55Ser). The frequency data for this variant in the population databases is considered unreliable, as metrics indicate insufficient coverage at this position in the gnomAD database. This variant has not been reported in the literature in individuals affected with FOXE3-related conditions. ClinVar contains an entry for this variant (Variation ID: 2943315). Invitae Evidence Modeling of protein sequence and biophysical properties (such as structural, functional, and spatial information, amino acid conservation, physicochemical variation, residue mobility, and thermodynamic stability) indicates that this missense variant is not expected to disrupt FOXE3 protein function with a negative predictive value of 95%. In summary, the available evidence is currently insufficient to determine the role of this variant in disease. Therefore, it has been classified as a Variant of Uncertain Significance.

NM_012186.3(FOXE3):c.163C>T (p.Pro55Ser)

Genes: FOXE3 (forkhead box E3; plus strand), LINC01389 (long independently transcribed non-coding RNA 1389; minus strand). Cytogenetic location: 1p33.
Variant type: single nucleotide variant.
Coding change: c.163C>T on transcript NM_012186.3 (MANE Select); coding-DNA position 163, C replaced by T.
Protein change: p.Pro55Ser; replaces proline 55 with serine.
Molecular consequence: missense variant.
Genome position (GRCh38, 1-based): chr1:47,416,478, C>T. VCF-style: chr1-47416478-C-T. GRCh37 (hg19) VCF-style: chr1-47882150-C-T.
Other names: short protein forms P55S.
Identifiers: ClinVar variation 2943315 (VCV002943315.3), dbSNP rs1646883185, ClinGen allele CA340249160.